The following is an entry in ClinVar:

NM_001349253.2(SCN11A):c.2942C>T (p.Pro981Leu)

Gene: SCN11A (sodium voltage-gated channel alpha subunit 11; minus strand). Cytogenetic location: 3p22.2.
Variant type: single nucleotide variant.
Coding change: c.2942C>T on transcript NM_001349253.2 (MANE Select); coding-DNA position 2942, C replaced by T.
Protein change: p.Pro981Leu; replaces proline 981 with leucine.
Molecular consequence: missense variant.
Genome position (GRCh38, 1-based): chr3:38,886,132, G>A on the plus strand (C>T on the coding strand, the complement: SCN11A is on the minus strand). VCF-style: chr3-38886132-G-A. GRCh37 (hg19) VCF-style: chr3-38927623-G-A.
Other names: c.2942C>T, p.Pro981Leu (NM_014139.3); short protein forms P981L.
Identifiers: ClinVar variation 2941349 (VCV002941349.3), dbSNP rs1321151908, ClinGen allele CA352174019.

ClinVar aggregate classification (germline): Uncertain significance (1 of 4 stars; one submission).

Conditions:
Hereditary sensory and autonomic neuropathy type 7. Also called: HSAN VII; Neuropathy, hereditary sensory and autonomic, type VII. Identifiers: Orphanet 391397, MedGen C3809882, MONDO:0014244, OMIM 615548.
Familial episodic pain syndrome with predominantly lower limb involvement. Also called: Episodic pain syndrome, familial, 3. Identifiers: Orphanet 391384, Orphanet 391392, MedGen C3809899, MONDO:0014247, OMIM 615552.

Allele frequency attached by ClinVar (database versions not stated): gnomAD exomes below 0.00001.
gnomAD v4.1: 3 of 1,606,738 alleles (0.00019%); highest among the groups gnomAD compares: Non-Finnish European, 0.00017%; no homozygotes.

Submission:

Labcorp Genetics (formerly Invitae), Labcorp
Classification: Uncertain significance for Familial episodic pain syndrome with predominantly lower limb involvement; Hereditary sensory and autonomic neuropathy type 7. Last evaluated: 2023-12-06. Review status: criteria provided, single submitter. Criteria: Invitae Variant Classification Sherloc (09022015). Collection method: clinical testing. Allele origin: germline.
Comment: This sequence change replaces proline, which is neutral and non-polar, with leucine, which is neutral and non-polar, at codon 981 of the SCN11A protein (p.Pro981Leu). This variant is present in population databases (no rsID available, gnomAD 0.004%). This variant has not been reported in the literature in individuals affected with SCN11A-related conditions. Algorithms developed to predict the effect of missense changes on protein structure and function output the following: SIFT: "Not Available"; PolyPhen-2: "Benign"; Align-GVGD: "Not Available". The leucine amino acid residue is found in multiple mammalian species, which suggests that this missense change does not adversely affect protein function. In summary, the available evidence is currently insufficient to determine the role of this variant in disease. Therefore, it has been classified as a Variant of Uncertain Significance.